The following is an entry in ClinVar:

ClinVar aggregate classification (germline): Benign (1 of 4 stars; one submission).

Submission:

Unidad de Genómica Garrahan, Hospital de Pediatría Garrahan
Classification: Benign. Last evaluated: 2023-11-12. Review status: criteria provided, single submitter. Criteria: ACMG Guidelines, 2015. Collection method: clinical testing. Allele origin: germline. Affected: no. Observed: 21 variant alleles.
Comment: This variant is classified as Benign based on local population frequency. This variant was detected in 22% of patients studied by a panel of primary immunodeficiencies. Number of patients: 21. Only high quality variants are reported.

NM_006254.4(PRKCD):c.315+40_315+41insCGTG

Gene: PRKCD (protein kinase C delta; plus strand). Cytogenetic location: 3p21.1.
Variant type: Insertion.
Coding change: c.315+40_315+41insCGTG on transcript NM_006254.4 (MANE Select); bases 40 to 41 of the intron after coding-DNA position 315, CGTG inserted.
Molecular consequence: intron variant.
Genome position: GRCh38 VCF-style: chr3-53179813-T-TGTGC. GRCh37 (hg19) VCF-style: chr3-53213829-T-TGTGC.
Other names: c.315+40_315+41insCGTG (NM_001354680.2, NM_001354679.2, NM_212539.2 and 1 more transcripts); c.372+40_372+41insCGTG (NM_001354676.2); c.363+40_363+41insCGTG (NM_001354678.2).
Identifiers: ClinVar variation 2628295 (VCV002628295.2), dbSNP rs2107257942, ClinGen allele CA2695197927.